The following is an entry in ClinVar:

ClinVar aggregate classification (germline): Uncertain significance (1 of 4 stars; one submission).

Conditions:
Primary dilated cardiomyopathy (DCM). Also called: Dilated Cardiomyopathy. Identifiers: Orphanet 217604, MedGen C0007193, MeSH D002311, MONDO:0005021, HP:0001644. Inheritance: Various modes of inheritance.

Allele frequency attached by ClinVar (database versions not stated): gnomAD exomes below 0.00001 and 0.00001.

Submission:

Labcorp Genetics (formerly Invitae), Labcorp
Classification: Uncertain significance for Primary dilated cardiomyopathy. Last evaluated: 2021-10-04. Review status: criteria provided, single submitter. Criteria: Invitae Variant Classification Sherloc (09022015). Collection method: clinical testing. Allele origin: germline.
Comment: This sequence change falls in intron 9 of the NEBL gene. It does not directly change the encoded amino acid sequence of the NEBL protein. It affects a nucleotide within the consensus splice site. In summary, the available evidence is currently insufficient to determine the role of this variant in disease. Therefore, it has been classified as a Variant of Uncertain Significance. Variants that disrupt the consensus splice site are a relatively common cause of aberrant splicing (PMID: 17576681, 9536098). Algorithms developed to predict the effect of sequence changes on RNA splicing suggest that this variant may disrupt the consensus splice site. This variant has not been reported in the literature in individuals affected with NEBL-related conditions. This variant is present in population databases (no rsID available, gnomAD 0.006%).

Literature cited by the submitters: PubMed 17576681; PubMed 9536098.

NM_006393.3(NEBL):c.903+2dup

Gene: NEBL (nebulette; minus strand). Cytogenetic location: 10p12.31.
Variant type: Duplication.
Coding change: c.903+2dup on transcript NM_006393.3 (MANE Select); the canonical splice donor site of the intron after coding-DNA position 903, one base duplicated (T; older notation c.903+2dupT).
Molecular consequence: splice donor variant. On other transcripts: intron variant (9).
Genome position (GRCh38, 1-based): chr10:20,858,238, A duplicated on the plus strand (T on the coding strand, the reverse complement: NEBL is on the minus strand). VCF-style (leftmost placement, unchanged base first): chr10-20858237-T-TA. GRCh37 (hg19) VCF-style: chr10-21147166-T-TA.
Other names: c.250-45298dup (NM_001377326.1, NM_001377327.1, NM_001377328.1); c.358-45298dup (NM_213569.2, NM_001173484.2, NM_001377322.1); c.301-45298dup (NM_001377324.1); c.292-45298dup (NM_001377325.1); c.310-45298dup (NM_001377323.1).
Identifiers: ClinVar variation 1384447 (VCV001384447.6), dbSNP rs1473850704, ClinGen allele CA591876354.
Genomic context (GRCh38, chr10:20,858,237, plus strand): 5'-GCAGACATATTGGCTTCTTGGAGCCACAAGGCAACTACGGTTGCCGCTAGATGAACCACT[T>TA]ACGCCGCTGAGCATTTTGCTGGCTTTCAAAACATGGTCTAAAAACAACAAATTTGGGAGA-3'